The following is an entry in ClinVar:

ClinVar aggregate classification (germline): Uncertain significance (1 of 4 stars; one submission).

Submission:

Labcorp Genetics (formerly Invitae), Labcorp
Classification: Uncertain significance. Last evaluated: 2022-03-25. Review status: criteria provided, single submitter. Criteria: Invitae Variant Classification Sherloc (09022015). Collection method: clinical testing. Allele origin: germline.
Comment: In summary, the available evidence is currently insufficient to determine the role of this variant in disease. Therefore, it has been classified as a Variant of Uncertain Significance. Experimental studies and prediction algorithms are not available or were not evaluated, and the functional significance of this variant is currently unknown. ClinVar contains an entry for this variant (Variation ID: 948432). This variant has not been reported in the literature in individuals affected with MTOR-related conditions. Information on the frequency of this variant in the gnomAD database is not available, as this variant may be reported differently in the database. This sequence change replaces serine, which is neutral and polar, with proline, which is neutral and non-polar, at codon 918 of the MTOR protein (p.Ser918Pro).

NM_004958.4(MTOR):c.2751_2752delinsTC (p.Ser918Pro)

Gene: MTOR (mechanistic target of rapamycin kinase; minus strand). Cytogenetic location: 1p36.22.
Variant type: Indel.
Coding change: c.2751_2752delinsTC on transcript NM_004958.4 (MANE Select); coding-DNA positions 2751 to 2752, GT replaced by TC.
Protein change: p.Ser918Pro; replaces serine 918 with proline.
Molecular consequence: missense variant.
Genome position (GRCh38, 1-based): chr1:11,230,952-11,230,953, AC replaced by GA on the plus strand (GT replaced by TC on the coding strand, the reverse complement: MTOR is on the minus strand). VCF-style: chr1-11230952-AC-GA. GRCh37 (hg19) VCF-style: chr1-11291009-AC-GA.
Other names: short protein forms S918P.
Identifiers: ClinVar variation 948432 (VCV000948432.9), dbSNP rs1646996087, ClinGen allele CA1139655980.